The following is an entry in ClinVar:

NM_000520.6(HEXA):c.1399A>G (p.Thr467Ala)

Gene: HEXA (hexosaminidase subunit alpha; minus strand). Cytogenetic location: 15q23.
Variant type: single nucleotide variant.
Coding change: c.1399A>G on transcript NM_000520.6 (MANE Select); coding-DNA position 1399, A replaced by G.
Protein change: p.Thr467Ala; replaces threonine 467 with alanine.
Molecular consequence: missense variant. On other transcripts: non-coding transcript variant (1).
Genome position (GRCh38, 1-based): chr15:72,346,257, T>C on the plus strand (A>G on the coding strand, the complement: HEXA is on the minus strand). VCF-style: chr15-72346257-T-C. GRCh37 (hg19) VCF-style: chr15-72638598-T-C.
Other names: c.1432A>G, p.Thr478Ala (NM_001318825.2); short protein forms T467A, T478A.
Identifiers: ClinVar variation 1930319 (VCV001930319.2), dbSNP rs765590079, ClinGen allele CA272609746.

ClinVar aggregate classification (germline): Uncertain significance (1 of 4 stars; one submission).

Conditions:
Tay-Sachs disease (TSD). Also called: HEXA Disorders; HEXA DEFICIENCY; GM2 gangliosidosis, type 1; Hexosaminidase alpha-subunit deficiency (variant B); Sphingolipidosis, Tay-Sachs; Hexosaminidase A Deficiency. Identifiers: Orphanet 845, MedGen C0039373, MONDO:0010100, OMIM 272800.

Allele frequency attached by ClinVar (database versions not stated): gnomAD exomes 0.00001; TOPMed 0.00002; gnomAD 0.00003.
gnomAD v4.1: 25 of 1,613,796 alleles (0.0015%); highest among the groups gnomAD compares: Non-Finnish European, 0.002%; no homozygotes.

Submission:

Labcorp Genetics (formerly Invitae), Labcorp
Classification: Uncertain significance for Tay-Sachs disease. Last evaluated: 2022-03-24. Review status: criteria provided, single submitter. Criteria: Invitae Variant Classification Sherloc (09022015). Collection method: clinical testing. Allele origin: germline.
Comment: This sequence change replaces threonine, which is neutral and polar, with alanine, which is neutral and non-polar, at codon 467 of the HEXA protein (p.Thr467Ala). This variant is present in population databases (rs765590079, gnomAD 0.004%). This variant has not been reported in the literature in individuals affected with HEXA-related conditions. Algorithms developed to predict the effect of missense changes on protein structure and function are either unavailable or do not agree on the potential impact of this missense change (SIFT: "Deleterious"; PolyPhen-2: "Probably Damaging"; Align-GVGD: "Class C0"). In summary, the available evidence is currently insufficient to determine the role of this variant in disease. Therefore, it has been classified as a Variant of Uncertain Significance.